The following is an entry in ClinVar:

ClinVar aggregate classification (germline): Uncertain significance. Review status: criteria provided, multiple submitters, no conflicts (2 of 4 stars). 2 submissions from 2 submitters: Uncertain significance (2). Last evaluated 2025-10-14.

Conditions:
Inborn genetic diseases. Identifiers: MedGen C0950123, MeSH D030342.
Baller-Gerold syndrome (BGS). Also called: CRANIOSYNOSTOSIS WITH RADIAL DEFECTS. Identifiers: Orphanet 1225, MedGen C0265308, MONDO:0009039, OMIM 218600.

Submissions (2):

Ambry Genetics
Classification: Uncertain significance for Inborn genetic diseases. Last evaluated: 2025-10-14. Review status: criteria provided, single submitter. Criteria: Ambry Variant Classification Scheme 2023. Collection method: clinical testing. Allele origin: germline.

Labcorp Genetics (formerly Invitae), Labcorp
Classification: Uncertain significance for Baller-Gerold syndrome. Last evaluated: 2024-04-05. Review status: criteria provided, single submitter. Criteria: Invitae Variant Classification Sherloc (09022015). Collection method: clinical testing. Allele origin: germline.
Comment: This sequence change replaces alanine, which is neutral and non-polar, with glycine, which is neutral and non-polar, at codon 687 of the RECQL4 protein (p.Ala687Gly). This variant is not present in population databases (gnomAD no frequency). This variant has not been reported in the literature in individuals affected with RECQL4-related conditions. ClinVar contains an entry for this variant (Variation ID: 569206). Experimental studies and prediction algorithms are not available or were not evaluated, and the functional significance of this variant is currently unknown. In summary, the available evidence is currently insufficient to determine the role of this variant in disease. Therefore, it has been classified as a Variant of Uncertain Significance.

NM_004260.4(RECQL4):c.2060C>G (p.Ala687Gly)

Gene: RECQL4 (RecQ like helicase 4; minus strand). Cytogenetic location: 8q24.3.
Variant type: single nucleotide variant.
Coding change: c.2060C>G on transcript NM_004260.4 (MANE Select); coding-DNA position 2060, C replaced by G.
Protein change: p.Ala687Gly; replaces alanine 687 with glycine.
Molecular consequence: missense variant.
Genome position (GRCh38, 1-based): chr8:144,513,711, G>C on the plus strand (C>G on the coding strand, the complement: RECQL4 is on the minus strand). VCF-style: chr8-144513711-G-C. GRCh37 (hg19) VCF-style: chr8-145739095-G-C.
Other names: short protein forms A687G.
Identifiers: ClinVar variation 569206 (VCV000569206.7), dbSNP rs1204590426, ClinGen allele CA372680111.